The following is an entry in ClinVar:

NM_005515.4(MNX1):c.132CGG[7] (p.Gly49_Ala50insGlyGly)

Gene: MNX1 (motor neuron and pancreas homeobox 1; minus strand). Cytogenetic location: 7q36.3.
Variant type: Microsatellite.
Coding change: c.132CGG[7] on transcript NM_005515.4 (MANE Select); seven copies in a row of the 3-base unit CGG starting at c.132; the reference has five copies in a row; two copies, 6 bases duplicated; also written c.141_146dup.
Protein change: p.Gly49_Ala50insGlyGly.
Molecular consequence: inframe insertion.
Genome position (GRCh38, 1-based): chr7:157,010,205-157,010,210, CCGCCG duplicated on the plus strand (CGGCGG on the coding strand, the reverse complement: MNX1 is on the minus strand); duplicating any 6 consecutive bases within chr7:157,010,205-157,010,221 gives the same sequence; the position shown is the placement nearest the transcript's 3' end. VCF-style (leftmost placement, unchanged base first): chr7-157010204-C-CCCGCCG. GRCh37 (hg19) VCF-style: chr7-156802898-C-CCCGCCG.
Other names: c.141_146dup (NM_005515.4).
Identifiers: ClinVar variation 2117333 (VCV002117333.5), dbSNP rs781217883, ClinGen allele CA835796351.

ClinVar aggregate classification (germline): Uncertain significance. Review status: criteria provided, multiple submitters, no conflicts (2 of 4 stars). 2 submissions from 2 submitters: Uncertain significance (2). Last evaluated 2024-02-11.

Conditions:
Currarino triad. Identifiers: Orphanet 1552, MedGen C1531773, MONDO:0008305, OMIM 176450.

Submissions (2):

Fulgent Genetics
Classification: Uncertain significance for Currarino triad. Last evaluated: 2024-02-11. Review status: criteria provided, single submitter. Criteria: ACMG Guidelines, 2015. Collection method: clinical testing. Allele origin: germline.

Labcorp Genetics (formerly Invitae), Labcorp
Classification: Uncertain significance. Last evaluated: 2022-08-10. Review status: criteria provided, single submitter. Criteria: Invitae Variant Classification Sherloc (09022015). Collection method: clinical testing. Allele origin: germline.
Comment: In summary, the available evidence is currently insufficient to determine the role of this variant in disease. Therefore, it has been classified as a Variant of Uncertain Significance. This variant has not been reported in the literature in individuals affected with MNX1-related conditions. This variant is not present in population databases (gnomAD no frequency). This variant, c.141_146dup, results in the insertion of 2 amino acid(s) of the MNX1 protein (p.Gly48_Gly49dup), but otherwise preserves the integrity of the reading frame.